The following is an entry in ClinVar:

NM_052813.5(CARD9):c.1586ACA[1] (p.Asn530del)

Gene: CARD9 (caspase recruitment domain family member 9; minus strand). Cytogenetic location: 9q34.3.
Variant type: Microsatellite.
Coding change: c.1586ACA[1] on transcript NM_052813.5 (MANE Select); one copy of the 3-base unit ACA starting at c.1586; the reference has two copies in a row; one copy, 3 bases deleted.
Protein change: p.Asn530del; deletes asparagine 530.
Molecular consequence: inframe deletion. On other transcripts: intron variant (1).
Genome position (GRCh38, 1-based): chr9:136,364,322-136,364,324, TGT deleted on the plus strand (ACA on the coding strand, the reverse complement: CARD9 is on the minus strand); deleting any 3 consecutive bases within chr9:136,364,322-136,364,327 gives the same sequence; the position shown is the placement nearest the transcript's 3' end. VCF-style (leftmost placement, unchanged base first): chr9-136364321-GTGT-G. GRCh37 (hg19) VCF-style: chr9-139258773-GTGT-G.
Other names: c.1442-162_1442-160del (NM_052814.4); short protein forms N530del.
Identifiers: ClinVar variation 841108 (VCV000841108.8), dbSNP rs1833060032, ClinGen allele CA467716485.

ClinVar aggregate classification (germline): Uncertain significance (1 of 4 stars; one submission).

Conditions:
Predisposition to invasive fungal disease due to CARD9 deficiency (IMD103). Also called: IMMUNODEFICIENCY 103, SUSCEPTIBILITY TO FUNGAL INFECTIONS; Candidiasis, familial, 2, autosomal recessive; CARD9 IMMUNODEFICIENCY. Identifiers: Orphanet 457088, MedGen C1859353, MONDO:0008905, OMIM 212050.

Submission:

Labcorp Genetics (formerly Invitae), Labcorp
Classification: Uncertain significance for Predisposition to invasive fungal disease due to CARD9 deficiency. Last evaluated: 2022-10-25. Review status: criteria provided, single submitter. Criteria: Invitae Variant Classification Sherloc (09022015). Collection method: clinical testing. Allele origin: germline.
Comment: In summary, the available evidence is currently insufficient to determine the role of this variant in disease. Therefore, it has been classified as a Variant of Uncertain Significance. Experimental studies and prediction algorithms are not available or were not evaluated, and the functional significance of this variant is currently unknown. This variant, c.1589_1591del, results in the deletion of 1 amino acid(s) of the CARD9 protein (p.Asn530del), but otherwise preserves the integrity of the reading frame. This variant is not present in population databases (gnomAD no frequency). This variant has not been reported in the literature in individuals affected with CARD9-related conditions. ClinVar contains an entry for this variant (Variation ID: 841108).